The following is an entry in ClinVar:

ClinVar aggregate classification (germline): Uncertain significance. Review status: criteria provided, multiple submitters, no conflicts (2 of 4 stars). 4 submissions from 4 submitters: Uncertain significance (2). 2 of the submissions do not count toward it. Last evaluated 2022-10-03.

Conditions:
Meckel-Gruber syndrome. Also called: DYSENCEPHALIA SPLANCHNOCYSTICA; GRUBER SYNDROME; Dysencephalia splachnocystica. Identifiers: Orphanet 564, MedGen C0265215, MONDO:0018921.
Joubert syndrome. Also called: Familial aplasia of the vermis; JOUBERT-BOLTSHAUSER SYNDROME. Identifiers: Orphanet 475, MedGen C5979921, MONDO:0018772.
Nephronophthisis. Also called: Juvenile Nephronophthisis. Identifiers: Orphanet 655, MedGen C0687120, MONDO:0019005, HP:0000090.
CEP290-related disorder. Also called: CEP290-related condition; CEP290-related disorders. Identifiers: MedGen CN239314.
Leber congenital amaurosis (LCA). Also called: Leber's amaurosis. Identifiers: Orphanet 65, MedGen C0339527, MeSH D057130, MONDO:0018998.

Allele frequency attached by ClinVar (database versions not stated): TOPMed 0.00004; gnomAD 0.00005; ESP Exome Variant Server 0.00009; ExAC 0.00014; gnomAD exomes 0.00005.
gnomAD v4.1: 37 of 1,315,734 alleles (0.0028%); highest among the groups gnomAD compares: African/African-American, 0.014%; no homozygotes.

Submissions (4):

Labcorp Genetics (formerly Invitae), Labcorp
Classification: Uncertain significance for Joubert syndrome; Meckel-Gruber syndrome; Nephronophthisis. Last evaluated: 2022-10-03. Review status: criteria provided, single submitter. Criteria: Invitae Variant Classification Sherloc (09022015). Collection method: clinical testing. Allele origin: germline.
Comment: This sequence change replaces glutamic acid, which is acidic and polar, with lysine, which is basic and polar, at codon 369 of the CEP290 protein (p.Glu369Lys). The frequency data for this variant in the population databases is considered unreliable, as metrics indicate poor data quality at this position in the gnomAD database. This variant has not been reported in the literature in individuals affected with CEP290-related conditions. ClinVar contains an entry for this variant (Variation ID: 963355). Advanced modeling of protein sequence and biophysical properties (such as structural, functional, and spatial information, amino acid conservation, physicochemical variation, residue mobility, and thermodynamic stability) performed at Invitae indicates that this missense variant is not expected to disrupt CEP290 protein function. In summary, the available evidence is currently insufficient to determine the role of this variant in disease. Therefore, it has been classified as a Variant of Uncertain Significance.

Blueprint Genetics
Classification: Uncertain significance. Last evaluated: 2022-03-17. Review status: criteria provided, single submitter. Criteria: ACMG Guidelines, 2015. Collection method: clinical testing. Allele origin: germline.

PreventionGenetics, part of Exact Sciences
Classification: Uncertain significance for CEP290-related condition. Last evaluated: 2023-11-20. Review status: no assertion criteria provided. Collection method: clinical testing. Allele origin: germline. Not counted in ClinVar's aggregate classification.
Comment: The CEP290 c.1105G>A variant is predicted to result in the amino acid substitution p.Glu369Lys. To our knowledge, this variant has not been reported in the literature. This variant is reported in 0.026% of alleles in individuals of African descent in gnomAD. At this time, the clinical significance of this variant is uncertain due to the absence of conclusive functional and genetic evidence.

Natera, Inc.
Classification: Uncertain significance for Leber congenital amaurosis. Last evaluated: 2020-04-20. Review status: no assertion criteria provided. Collection method: clinical testing. Allele origin: germline. Not counted in ClinVar's aggregate classification.

NM_025114.4(CEP290):c.1105G>A (p.Glu369Lys)

Gene: CEP290 (centrosomal protein 290; minus strand). Cytogenetic location: 12q21.32.
Variant type: single nucleotide variant.
Coding change: c.1105G>A on transcript NM_025114.4 (MANE Select); coding-DNA position 1105, G replaced by A.
Protein change: p.Glu369Lys; replaces glutamic acid 369 with lysine.
Molecular consequence: missense variant.
Genome position (GRCh38, 1-based): chr12:88,125,330, C>T on the plus strand (G>A on the coding strand, the complement: CEP290 is on the minus strand). VCF-style: chr12-88125330-C-T. GRCh37 (hg19) VCF-style: chr12-88519107-C-T.
Other names: short protein forms E369K.
Identifiers: ClinVar variation 963355 (VCV000963355.8), dbSNP rs373414042, ClinGen allele CA6712622.